The following is an entry in ClinVar:

NM_000395.3(CSF2RB):c.760G>A (p.Gly254Arg)

Gene: CSF2RB (colony stimulating factor 2 receptor subunit beta; plus strand). Cytogenetic location: 22q12.3.
Variant type: single nucleotide variant.
Coding change: c.760G>A on transcript NM_000395.3 (MANE Select); coding-DNA position 760, G replaced by A.
Protein change: p.Gly254Arg; replaces glycine 254 with arginine.
Molecular consequence: missense variant.
Genome position (GRCh38, 1-based): chr22:36,930,416, G>A. VCF-style: chr22-36930416-G-A. GRCh37 (hg19) VCF-style: chr22-37326458-G-A.
Other names: c.760G>A, p.Gly254Arg (NM_001410827.1); short protein forms G254R.
Identifiers: ClinVar variation 2185337 (VCV002185337.4), dbSNP rs1569135929, ClinGen allele CA411407406.

ClinVar aggregate classification (germline): Uncertain significance (1 of 4 stars; one submission).

Allele frequency attached by ClinVar (database versions not stated): gnomAD exomes 0.00001.
gnomAD v4.1: 12 of 1,613,654 alleles (0.00074%); highest among the groups gnomAD compares: Non-Finnish European, 0.001%; no homozygotes.

Submission:

Labcorp Genetics (formerly Invitae), Labcorp
Classification: Uncertain significance. Last evaluated: 2022-07-01. Review status: criteria provided, single submitter. Criteria: Invitae Variant Classification Sherloc (09022015). Collection method: clinical testing. Allele origin: germline.
Comment: In summary, the available evidence is currently insufficient to determine the role of this variant in disease. Therefore, it has been classified as a Variant of Uncertain Significance. Algorithms developed to predict the effect of sequence changes on RNA splicing suggest that this variant may disrupt the consensus splice site. Algorithms developed to predict the effect of missense changes on protein structure and function are either unavailable or do not agree on the potential impact of this missense change (SIFT: "Deleterious"; PolyPhen-2: "Probably Damaging"; Align-GVGD: "Class C0"). This variant has not been reported in the literature in individuals affected with CSF2RB-related conditions. This variant is not present in population databases (gnomAD no frequency). This sequence change replaces glycine, which is neutral and non-polar, with arginine, which is basic and polar, at codon 254 of the CSF2RB protein (p.Gly254Arg).